The following is an entry in ClinVar:

NM_000051.4(ATM):c.964G>A (p.Glu322Lys)

Gene: ATM (ATM serine/threonine kinase; plus strand). Cytogenetic location: 11q22.3.
Variant type: single nucleotide variant.
Coding change: c.964G>A on transcript NM_000051.4 (MANE Select); coding-DNA position 964, G replaced by A.
Protein change: p.Glu322Lys; replaces glutamic acid 322 with lysine.
Molecular consequence: missense variant.
Genome position (GRCh38, 1-based): chr11:108,247,026, G>A. VCF-style: chr11-108247026-G-A. GRCh37 (hg19) VCF-style: chr11-108117753-G-A.
Other names: c.964G>A, p.Glu322Lys (NM_001351834.2); short protein forms E322K.
Identifiers: ClinVar variation 1767675 (VCV001767675.2), dbSNP rs2497180267, ClinGen allele CA382530979.

ClinVar aggregate classification (germline): Uncertain significance (1 of 4 stars; one submission).

Conditions:
Hereditary cancer-predisposing syndrome. Also called: Hereditary Cancer Syndrome; Hereditary neoplastic syndrome; Neoplastic Syndromes, Hereditary; Tumor predisposition. Identifiers: Orphanet 140162, MedGen C0027672, MeSH D009386, MONDO:0015356.

Submission:

Ambry Genetics
Classification: Uncertain significance for Hereditary cancer-predisposing syndrome. Last evaluated: 2020-03-19. Review status: criteria provided, single submitter. Criteria: Ambry Variant Classification Scheme 2023. Collection method: clinical testing. Allele origin: germline.
Comment: The p.E322K variant (also known as c.964G>A), located in coding exon 7 of the ATM gene, results from a G to A substitution at nucleotide position 964. The glutamic acid at codon 322 is replaced by lysine, an amino acid with similar properties. This amino acid position is highly conserved in available vertebrate species. In addition, this alteration is predicted to be deleterious by in silico analysis. Since supporting evidence is limited at this time, the clinical significance of this alteration remains unclear.